The following is an entry in ClinVar:

NM_005431.2(XRCC2):c.122-3C>T

Gene: XRCC2 (X-ray repair cross complementing 2; minus strand). Cytogenetic location: 7q36.1.
Variant type: single nucleotide variant.
Coding change: c.122-3C>T on transcript NM_005431.2 (MANE Select); 3 bases into the intron before coding-DNA position 122, C replaced by T.
Molecular consequence: intron variant.
Genome position (GRCh38, 1-based): chr7:152,649,366, G>A on the plus strand (C>T on the coding strand, the complement: XRCC2 is on the minus strand). VCF-style: chr7-152649366-G-A. GRCh37 (hg19) VCF-style: chr7-152346451-G-A.
Identifiers: ClinVar variation 183001 (VCV000183001.13), dbSNP rs730882046, ClinGen allele CA300484.

ClinVar aggregate classification (germline): Conflicting classifications of pathogenicity. Review status: criteria provided, conflicting classifications (1 of 4 stars). 3 submissions from 3 submitters: Uncertain significance (2); Likely benign (1). Last evaluated 2022-10-10.

Conditions:
Hereditary cancer-predisposing syndrome. Also called: Tumor predisposition; Hereditary Cancer Syndrome; Hereditary neoplastic syndrome; Neoplastic Syndromes, Hereditary. Identifiers: Orphanet 140162, MedGen C0027672, MeSH D009386, MONDO:0015356.

Submissions (3):

Labcorp Genetics (formerly Invitae), Labcorp
Classification: Uncertain significance. Last evaluated: 2022-10-10. Review status: criteria provided, single submitter. Criteria: Invitae Variant Classification Sherloc (09022015). Collection method: clinical testing. Allele origin: germline.
Comment: This sequence change falls in intron 2 of the XRCC2 gene. It does not directly change the encoded amino acid sequence of the XRCC2 protein. It affects a nucleotide within the consensus splice site. This variant is not present in population databases (gnomAD no frequency). This variant has not been reported in the literature in individuals affected with XRCC2-related conditions. ClinVar contains an entry for this variant (Variation ID: 183001). Variants that disrupt the consensus splice site are a relatively common cause of aberrant splicing (PMID: 17576681, 9536098). Algorithms developed to predict the effect of sequence changes on RNA splicing suggest that this variant is not likely to affect RNA splicing. In summary, the available evidence is currently insufficient to determine the role of this variant in disease. Therefore, it has been classified as a Variant of Uncertain Significance.

Ambry Genetics
Classification: Uncertain significance for Hereditary cancer-predisposing syndrome. Last evaluated: 2022-05-05. Review status: criteria provided, single submitter. Criteria: Ambry Variant Classification Scheme 2023. Collection method: clinical testing. Allele origin: germline.
Comment: The c.122-3C>T intronic variant results from a C to T substitution 3 nucleotides upstream from coding exon 3 in the XRCC2 gene. This nucleotide position is highly conserved in available vertebrate species. In silico splice site analysis for this alteration is inconclusive. Since supporting evidence is limited at this time, the clinical significance of this alteration remains unclear.

GeneDx
Classification: Likely benign. Last evaluated: 2014-07-29. Review status: criteria provided, single submitter. Criteria: GeneDx Variant Classification (06012015). Collection method: clinical testing. Allele origin: germline. Affected: yes.
Comment: This variant is considered likely benign or benign based on one or more of the following criteria: it is a conservative change, it occurs at a poorly conserved position in the protein, it is predicted to be benign by multiple in silico algorithms, and/or has population frequency not consistent with disease.

Literature cited by the submitters: PubMed 17576681 (cited by Labcorp Genetics (formerly Invitae), Labcorp); PubMed 9536098 (cited by Labcorp Genetics (formerly Invitae), Labcorp).